The following is an entry in ClinVar:

ClinVar aggregate classification (germline): Uncertain significance (1 of 4 stars; one submission).

Conditions:
Neuropathy, hereditary sensory, type 2C. Also called: KIF1A-Related HSAN2 (HSAN2C); Hereditary sensory and autonomic neuropathy type IIC. Identifiers: Orphanet 970, MedGen C3280168, MONDO:0013634, OMIM 614213.
Intellectual disability, autosomal dominant 9 (NESCAVS). Also called: NESCAV SYNDROME; KIF1A-Related Neurodevelopmental Disorder. Identifiers: Orphanet 662367, MedGen C5393830, MONDO:0013656, OMIM 614255.
Hereditary spastic paraplegia 30. Identifiers: Orphanet 101010, MedGen C5235139, MONDO:0012476.

Allele frequency attached by ClinVar (database versions not stated): gnomAD 0.00001; TOPMed 0.00001.

Submission:

Labcorp Genetics (formerly Invitae), Labcorp
Classification: Uncertain significance for Hereditary spastic paraplegia 30; Neuropathy, hereditary sensory, type 2C; Intellectual disability, autosomal dominant 9. Last evaluated: 2024-07-11. Review status: criteria provided, single submitter. Criteria: Invitae Variant Classification Sherloc (09022015). Collection method: clinical testing. Allele origin: germline.
Comment: This sequence change replaces serine, which is neutral and polar, with leucine, which is neutral and non-polar, at codon 906 of the KIF1A protein (p.Ser906Leu). This variant is not present in population databases (gnomAD no frequency). This variant has not been reported in the literature in individuals affected with KIF1A-related conditions. ClinVar contains an entry for this variant (Variation ID: 532871). Advanced modeling of protein sequence and biophysical properties (such as structural, functional, and spatial information, amino acid conservation, physicochemical variation, residue mobility, and thermodynamic stability) has been performed at Invitae for this missense variant, however the output from this modeling did not meet the statistical confidence thresholds required to predict the impact of this variant on KIF1A protein function. In summary, the available evidence is currently insufficient to determine the role of this variant in disease. Therefore, it has been classified as a Variant of Uncertain Significance.

NM_001244008.2(KIF1A):c.3020C>T (p.Ser1007Leu)

Gene: KIF1A (kinesin family member 1A; minus strand). Cytogenetic location: 2q37.3.
Variant type: single nucleotide variant.
Coding change: c.3020C>T on transcript NM_001244008.2 (MANE Select); coding-DNA position 3020, C replaced by T.
Protein change: p.Ser1007Leu; replaces serine 1007 with leucine.
Molecular consequence: missense variant.
Genome position (GRCh38, 1-based): chr2:240,747,279, G>A on the plus strand (C>T on the coding strand, the complement: KIF1A is on the minus strand). VCF-style: chr2-240747279-G-A. GRCh37 (hg19) VCF-style: chr2-241686696-G-A.
Other names: c.2744C>T, p.Ser915Leu (NM_001320705.2, NM_001330289.2, NM_001379638.1); c.2819C>T, p.Ser940Leu (NM_001330290.2, NM_001379634.1, NM_001379635.1 and 1 more transcripts); c.3095C>T, p.Ser1032Leu (NM_001379631.1); c.2969C>T, p.Ser990Leu (NM_001379632.1); c.2993C>T, p.Ser998Leu (NM_001379633.1, NM_001379642.1, NM_001379645.1); c.2717C>T, p.Ser906Leu (NM_001379636.1, NM_001379639.1, NM_001379640.1 and 6 more transcripts); c.2792C>T, p.Ser931Leu (NM_001379637.1, NM_001379648.1); short protein forms S1007L, S906L, S940L, S915L, S1032L, S931L, S990L, S998L.
Identifiers: ClinVar variation 532871 (VCV000532871.7), dbSNP rs1553630819, ClinGen allele CA351319307.